The following is an entry in ClinVar:

ClinVar aggregate classification (germline): Uncertain significance (1 of 4 stars; one submission).

Allele frequency attached by ClinVar (database versions not stated): gnomAD exomes below 0.00001.
gnomAD v4.1: 3 of 1,613,714 alleles (0.00019%); highest among the groups gnomAD compares: Non-Finnish European, 0.00025%; no homozygotes.

Submission:

Women's Health and Genetics/Laboratory Corporation of America, LabCorp
Classification: Uncertain significance. Last evaluated: 2023-11-15. Review status: criteria provided, single submitter. Criteria: LabCorp Variant Classification Summary - May 2015. Collection method: clinical testing. Allele origin: germline.
Comment: Variant summary: PDE3A c.1955A>C (p.Lys652Thr) results in a non-conservative amino acid change in the encoded protein sequence. Four of five in-silico tools predict a benign effect of the variant on protein function. The variant was absent in 251034 control chromosomes (gnomAD). The available data on variant occurrences in the general population are insufficient to allow any conclusion about variant significance. To our knowledge, no occurrence of c.1955A>C in individuals affected with Brachydactyly-Arterial Hypertension Syndrome and no experimental evidence demonstrating its impact on protein function have been reported. No submitters have reported clinical-significance assessments for this variant to ClinVar after 2014. Based on the evidence outlined above, the variant was classified as uncertain significance.

NM_000921.5(PDE3A):c.1955A>C (p.Lys652Thr)

Gene: PDE3A (phosphodiesterase 3A; plus strand). Cytogenetic location: 12p12.2.
Variant type: single nucleotide variant.
Coding change: c.1955A>C on transcript NM_000921.5 (MANE Select); coding-DNA position 1955, A replaced by C.
Protein change: p.Lys652Thr; replaces lysine 652 with threonine.
Molecular consequence: missense variant.
Genome position (GRCh38, 1-based): chr12:20,635,010, A>C. VCF-style: chr12-20635010-A-C. GRCh37 (hg19) VCF-style: chr12-20787944-A-C.
Other names: c.1649A>C, p.Lys550Thr (NM_001378407.1); c.992A>C, p.Lys331Thr (NM_001378408.1); c.989A>C, p.Lys330Thr (NM_001378409.1, NM_001244683.2); short protein forms K330T, K331T, K550T, K652T.
Identifiers: ClinVar variation 2682532 (VCV002682532.1), dbSNP rs2498069605, ClinGen allele CA384078877.